The following is an entry in ClinVar:

NM_003072.5(SMARCA4):c.1055T>A (p.Ile352Asn)

Gene: SMARCA4 (SWI/SNF related BAF chromatin remodeling complex subunit ATPase 4; plus strand). Cytogenetic location: 19p13.2.
Variant type: single nucleotide variant.
Coding change: c.1055T>A on transcript NM_003072.5 (MANE Select); coding-DNA position 1055, T replaced by A.
Protein change: p.Ile352Asn; replaces isoleucine 352 with asparagine.
Molecular consequence: missense variant. On other transcripts: non-coding transcript variant (1).
Genome position (GRCh38, 1-based): chr19:10,987,861, T>A. VCF-style: chr19-10987861-T-A. GRCh37 (hg19) VCF-style: chr19-11098537-T-A.
Other names: c.1055T>A, p.Ile352Asn (NM_001128844.3, NM_001128845.2, NM_001128846.2 and 5 more transcripts); short protein forms I352N.
Identifiers: ClinVar variation 575145 (VCV000575145.11), dbSNP rs1568427448, ClinGen allele CA404058720.

ClinVar aggregate classification (germline): Uncertain significance. Review status: criteria provided, multiple submitters, no conflicts (2 of 4 stars). 2 submissions from 2 submitters: Uncertain significance (2). Last evaluated 2021-08-02.

Conditions:
Rhabdoid tumor predisposition syndrome 2 (RTPS2). Identifiers: Orphanet 231108, Orphanet 69077, MedGen C2750074, MONDO:0013224, OMIM 613325.
Hereditary cancer-predisposing syndrome. Also called: Neoplastic Syndromes, Hereditary; Hereditary Cancer Syndrome; Tumor predisposition; Hereditary neoplastic syndrome. Identifiers: Orphanet 140162, MedGen C0027672, MeSH D009386, MONDO:0015356.

Submissions (2):

Labcorp Genetics (formerly Invitae), Labcorp
Classification: Uncertain significance for Rhabdoid tumor predisposition syndrome 2. Last evaluated: 2021-08-02. Review status: criteria provided, single submitter. Criteria: Invitae Variant Classification Sherloc (09022015). Collection method: clinical testing. Allele origin: germline.
Comment: In summary, the available evidence is currently insufficient to determine the role of this variant in disease. Therefore, it has been classified as a Variant of Uncertain Significance. Algorithms developed to predict the effect of missense changes on protein structure and function (SIFT, PolyPhen-2, Align-GVGD) all suggest that this variant is likely to be disruptive, but these predictions have not been confirmed by published functional studies and their clinical significance is uncertain. This variant has not been reported in the literature in individuals with SMARCA4-related disease. This variant is not present in population databases (ExAC no frequency). This sequence change replaces isoleucine with asparagine at codon 352 of the SMARCA4 protein (p.Ile352Asn). The isoleucine residue is highly conserved and there is a large physicochemical difference between isoleucine and asparagine.

Ambry Genetics
Classification: Uncertain significance for Hereditary cancer-predisposing syndrome. Last evaluated: 2015-07-15. Review status: criteria provided, single submitter. Criteria: Ambry Variant Classification Scheme 2023. Collection method: clinical testing. Allele origin: germline.
Comment: The p.I352N variant (also known as c.1055T>A), located in coding exon 5 of the SMARCA4 gene, results from a T to A substitution at nucleotide position 1055. The isoleucine at codon 352 is replaced by asparagine, an amino acid with dissimilar properties. This variant was not reported in population based cohorts in the following databases: Database of Single Nucleotide Polymorphisms (dbSNP), NHLBI Exome Sequencing Project (ESP), and 1000 Genomes Project. In the ESP, this variant was not observed in 6365 samples (12730 alleles) with coverage at this position. This amino acid position is highly conserved in available vertebrate species. In addition, this alteration is predicted to be possibly damaging and tolerated by PolyPhen and SIFT in silico analyses, respectively. Since supporting evidence is limited at this time, the clinical significance of p.I352N variant remains unclear.